The following is an entry in ClinVar:

ClinVar aggregate classification (germline): Uncertain significance. Review status: criteria provided, multiple submitters, no conflicts (2 of 4 stars). 2 submissions from 2 submitters: Uncertain significance (2). Last evaluated 2024-05-02.

gnomAD v4.1: 6 of 1,613,982 alleles (0.00037%); highest among the groups gnomAD compares: African/African-American, 0.0013%; no homozygotes.

Submissions (2):

GeneDx
Classification: Uncertain significance. Last evaluated: 2024-05-02. Review status: criteria provided, single submitter. Criteria: GeneDx Variant Classification Process June 2021. Collection method: clinical testing. Allele origin: germline. Affected: yes.
Comment: Not observed at significant frequency in large population cohorts (gnomAD); In silico analysis indicates that this missense variant does not alter protein structure/function; Has not been previously published as pathogenic or benign to our knowledge

Blueprint Genetics
Classification: Uncertain significance. Last evaluated: 2019-12-17. Review status: criteria provided, single submitter. Criteria: ACMG Guidelines, 2015. Collection method: clinical testing. Allele origin: germline.

NM_001080517.3(SETD5):c.2984G>A (p.Arg995Gln)

Gene: SETD5 (SET domain containing 5; plus strand). Cytogenetic location: 3p25.3.
Variant type: single nucleotide variant.
Coding change: c.2984G>A on transcript NM_001080517.3 (MANE Select); coding-DNA position 2984, G replaced by A.
Protein change: p.Arg995Gln; replaces arginine 995 with glutamine.
Molecular consequence: missense variant.
Genome position (GRCh38, 1-based): chr3:9,470,718, G>A. VCF-style: chr3-9470718-G-A. GRCh37 (hg19) VCF-style: chr3-9512402-G-A.
Other names: c.2690G>A, p.Arg897Gln (NM_001292043.2, NM_001349451.2); short protein forms R897Q, R995Q.
Identifiers: ClinVar variation 3373405 (VCV003373405.2).